The following is an entry in ClinVar:

NM_005343.4(HRAS):c.379T>C (p.Ser127Pro)

Genes: HRAS (HRas proto-oncogene, GTPase; minus strand), LRRC56 (leucine rich repeat containing 56; plus strand). Cytogenetic location: 11p15.5.
Variant type: single nucleotide variant.
Coding change: c.379T>C on transcript NM_005343.4 (MANE Select); coding-DNA position 379, T replaced by C.
Protein change: p.Ser127Pro; replaces serine 127 with proline.
Molecular consequence: missense variant. On other transcripts: synonymous variant (1).
Genome position (GRCh38, 1-based): chr11:533,524, A>G on the plus strand (T>C on the coding strand, the complement: HRAS is on the minus strand). VCF-style: chr11-533524-A-G. GRCh37 (hg19) VCF-style: chr11-533524-A-G.
Other names: c.379T>C, p.Ser127Pro (NM_001130442.3, NM_176795.5); c.60T>C, p.Asn20= (NM_001318054.2); c.379T>C (NM_005343.2); short protein forms S127P.
Identifiers: ClinVar variation 1045905 (VCV001045905.10), dbSNP rs1221709596, ClinGen allele CA378923216.

ClinVar aggregate classification (germline): Uncertain significance. Review status: criteria provided, multiple submitters, no conflicts (2 of 4 stars). 2 submissions from 2 submitters: Uncertain significance (2). Last evaluated 2025-01-14.

Conditions:
Cardiovascular phenotype. Identifiers: MedGen CN230736.
Costello syndrome (CSTLO). Also called: HRAS-Related Costello Syndrome; FACIOCUTANEOSKELETAL SYNDROME; FCS SYNDROME. Identifiers: Orphanet 3071, MedGen C0587248, MONDO:0009026, OMIM 218040.

Allele frequency attached by ClinVar (database versions not stated): gnomAD exomes below 0.00001; TOPMed 0.00001.
gnomAD v4.1: 2 of 1,613,778 alleles (0.00012%); highest among the groups gnomAD compares: African/African-American, 0.0013%; no homozygotes.

Submissions (2):

Labcorp Genetics (formerly Invitae), Labcorp
Classification: Uncertain significance for Costello syndrome. Last evaluated: 2025-01-14. Review status: criteria provided, single submitter. Criteria: Invitae Variant Classification Sherloc (09022015). Collection method: clinical testing. Allele origin: germline.
Comment: This sequence change replaces serine, which is neutral and polar, with proline, which is neutral and non-polar, at codon 127 of the HRAS protein (p.Ser127Pro). This variant is not present in population databases (gnomAD no frequency). This variant has not been reported in the literature in individuals affected with HRAS-related conditions. ClinVar contains an entry for this variant (Variation ID: 1045905). Invitae Evidence Modeling of protein sequence and biophysical properties (such as structural, functional, and spatial information, amino acid conservation, physicochemical variation, residue mobility, and thermodynamic stability) indicates that this missense variant is not expected to disrupt HRAS protein function with a negative predictive value of 95%. In summary, the available evidence is currently insufficient to determine the role of this variant in disease. Therefore, it has been classified as a Variant of Uncertain Significance.

Ambry Genetics
Classification: Uncertain significance for Cardiovascular phenotype. Last evaluated: 2023-11-06. Review status: criteria provided, single submitter. Criteria: Ambry Variant Classification Scheme 2023. Collection method: clinical testing. Allele origin: germline.
Comment: The p.S127P variant (also known as c.379T>C), located in coding exon 3 of the HRAS gene, results from a T to C substitution at nucleotide position 379. The serine at codon 127 is replaced by proline, an amino acid with similar properties. This amino acid position is conserved. In addition, this alteration is predicted to be tolerated by in silico analysis. Since supporting evidence is limited at this time, the clinical significance of this alteration remains unclear.